The following is an entry in ClinVar:

NM_000363.5(TNNI3):c.421C>T (p.Arg141Trp)

Gene: TNNI3 (troponin I3, cardiac type; minus strand). Cytogenetic location: 19q13.42.
Variant type: single nucleotide variant.
Coding change: c.421C>T on transcript NM_000363.5 (MANE Select); coding-DNA position 421, C replaced by T.
Protein change: p.Arg141Trp; replaces arginine 141 with tryptophan.
Molecular consequence: missense variant.
Genome position (GRCh38, 1-based): chr19:55,154,158, G>A on the plus strand (C>T on the coding strand, the complement: TNNI3 is on the minus strand). VCF-style: chr19-55154158-G-A. GRCh37 (hg19) VCF-style: chr19-55665526-G-A.
Other names: p.R141W:CGG>TGG; c.421C>T (LRG_432t1); short protein forms R141W.
Identifiers: ClinVar variation 181580 (VCV000181580.23), dbSNP rs730881071, ClinGen allele CA021627.

ClinVar aggregate classification (germline): Conflicting classifications of pathogenicity. Review status: criteria provided, conflicting classifications (1 of 4 stars). 6 submissions from 6 submitters: Likely pathogenic (3); Uncertain significance (3). Last evaluated 2026-09-17.

Conditions:
Cardiovascular phenotype. Identifiers: MedGen CN230736.
Cardiomyopathy (CMYO). Also called: Cardiomyopathies. Identifiers: Orphanet 167848, MedGen C0878544, MONDO:0004994, HP:0001638. Inheritance: Various modes of inheritance.
Hypertrophic cardiomyopathy 7. Also called: TNNI3-Related Familial Hypertrophic Cardiomyopathy; Familial hypertrophic cardiomyopathy 7; CARDIOMYOPATHY, FAMILIAL HYPERTROPHIC, 7, MODIFIER OF. Identifiers: MedGen C1860752, MONDO:0013369, OMIM 613690.
Hypertrophic cardiomyopathy. Also called: HYPERTROPHIC MYOCARDIOPATHY. Identifiers: Orphanet 217569, MedGen C0007194, MeSH D002312, MONDO:0005045, HP:0001639.

Allele frequency attached by ClinVar (database versions not stated): ExAC 0.00001; gnomAD exomes 0.00001.

Submissions (6):

GeneDx
Classification: Likely pathogenic. Last evaluated: 2026-09-17. Review status: criteria provided, single submitter. Criteria: GeneDx Variant Classification Process June 2021. Collection method: clinical testing. Allele origin: germline.
Comment: Identified in patients with cardiomyopathy referred for genetic testing at GeneDx and in the published literature (PMID: 29121657, 30847666); Not observed at significant frequency in large population cohorts (gnomAD); In silico analysis supports that this missense variant has a deleterious effect on protein structure/function; This variant is associated with the following publications: (PMID: 30847666, 32758068, 29121657, 39843441)

Ambry Genetics
Classification: Uncertain significance for Cardiovascular phenotype. Last evaluated: 2026-06-04. Review status: criteria provided, single submitter. Criteria: Ambry Variant Classification Scheme 2023. Collection method: clinical testing. Allele origin: germline.
Comment: The p.R141W variant (also known as c.421C>T), located in coding exon 7 of the TNNI3 gene, results from a C to T substitution at nucleotide position 421. The arginine at codon 141 is replaced by tryptophan, an amino acid with dissimilar properties. This alteration has been detected in one individual with hypertrophic cardiomyopathy (HCM) and in a genetic testing cohort with limited clinical details (Viswanathan SK et al. PLoS ONE, 2017 Nov;12:e0187948; van Lint FHM et al. Neth Heart J, 2019 Jun;27:304-309). In addition, a different alteration located at the same position, p.R141Q, has been detected in several individuals with hypertrophic cardiomyopathy (HCM) (Richard P et al. Circulation. 2003;107:2227-32; Van Driest SL et al. Circulation. 2003;108:445-51; van den Wijngaard A et al. Neth Heart J. 2011;19:344-51; Rani DS et al. BMC Med. Genet. 2012;13:69; Zou Y et al. Mol Biol Rep. 2013;40:3969-76; Landry CH et al. N Engl J Med. 2017;377(20):1943-1953; Curila K et al. Genet Test Mol Biomarkers. 2009;13:647-50), was detected in the homozygous state in an individual with severe biventricular hypertrophy (Mogensen J et al. J Am Coll Cardiol. 2004;44:2315-25), has co-occurred with other variants in cardiac-related genes in affected individuals (Morita H et al. N Engl J Med. 2008;358:1899-908; Santos S et al. BMC Med Genet. 2012;13:17), and has been detected in unaffected relatives (Mogensen J et al. J Am Coll Cardiol. 2004;44:2315-25). This amino acid position is well conserved in available vertebrate species. In addition, this alteration is predicted to be deleterious by in silico analysis. Since supporting evidence is limited at this time, the clinical significance of the p.R141W alteration remains unclear.

Labcorp Genetics (formerly Invitae), Labcorp
Classification: Uncertain significance for Hypertrophic cardiomyopathy. Last evaluated: 2025-11-22. Review status: criteria provided, single submitter. Criteria: Invitae Variant Classification Sherloc (09022015). Collection method: clinical testing. Allele origin: germline.
Comment: This sequence change replaces arginine, which is basic and polar, with tryptophan, which is neutral and slightly polar, at codon 141 of the TNNI3 protein (p.Arg141Trp). The frequency data for this variant in the population databases is considered unreliable, as metrics indicate poor data quality at this position in the gnomAD database. This missense change has been observed in individual(s) with TNNI3-related conditions (PMID: 29121657, 30847666). ClinVar contains an entry for this variant (Variation ID: 181580). An algorithm developed to predict the effect of missense changes on protein structure and function (PolyPhen-2) suggests that this variant is likely to be disruptive. This variant disrupts the p.Arg141 amino acid residue in TNNI3. Other variant(s) that disrupt this residue have been determined to be pathogenic (PMID: 12707239, 15607392, 18403758, 19645627, 22429680, 22876777, 23283745, 25524337). This suggests that this residue is clinically significant, and that variants that disrupt this residue are likely to be disease-causing. In summary, the available evidence is currently insufficient to determine the role of this variant in disease. Therefore, it has been classified as a Variant of Uncertain Significance.

CHEO Genetics Diagnostic Laboratory, Children's Hospital of Eastern Ontario
Classification: Likely pathogenic for Cardiomyopathy. Last evaluated: 2023-08-25. Review status: criteria provided, single submitter. Criteria: ACMG Guidelines, 2015. Collection method: clinical testing. Allele origin: germline. Inheritance: Autosomal dominant inheritance.

3billion
Classification: Likely pathogenic for Hypertrophic cardiomyopathy 7. Last evaluated: 2023-02-23. Review status: criteria provided, single submitter. Criteria: ACMG Guidelines, 2015. Collection method: clinical testing. Allele origin: unknown. Affected: yes.
Comment: The variant is observed at an extremely low frequency in the gnomAD v2.1.1 dataset (total allele frequency: <0.001%). Missense changes are a common disease-causing mechanism. In silico tool predictions suggest damaging effect of the variant on gene or gene product (REVEL: 0.72; 3Cnet: 1.00). Same nucleotide change resulting in same amino acid change has been previously reported to be associated with TNNI3 related disorder (ClinVar ID: VCV000181580). A different missense change at the same codon (p.Arg141Gln) has been reported as pathogenic/likely pathogenic with strong evidence (ClinVar ID: VCV000043381). Therefore, this variant is classified as Likely pathogenic according to the recommendation of ACMG/AMP guideline.

Color Diagnostics, LLC DBA Color Health
Classification: Uncertain significance for Cardiomyopathy. Last evaluated: 2022-02-08. Review status: criteria provided, single submitter. Criteria: ACMG Guidelines, 2015. Collection method: clinical testing. Allele origin: germline.
Comment: This missense variant replaces arginine with tryptophan at codon 141 of the TNNI3 protein. Computational prediction suggests that this variant may have deleterious impact on protein structure and function (internally defined REVEL score threshold >= 0.7, PMID: 27666373). To our knowledge, functional studies have not been reported for this variant. This variant has been reported in an individual affected with hypertrophic cardiomyopathy (PMID: 29121657). This variant has been identified in 2/248702 chromosomes in the general population by the Genome Aggregation Database (gnomAD). A different missense variant occurring at the same codon, p.Arg141Gln, has been associated with hypertrophic cardiomyopathy (Clinvar variation ID: 43381), suggesting that arginine at this position is important for the protein function. The available evidence is insufficient to determine the role of this variant in disease conclusively. Therefore, this variant is classified as a Variant of Uncertain Significance.

Literature cited by the submitters: PubMed 29121657 (cited by 3 submitters); PubMed 30847666 (cited by Ambry Genetics and Labcorp Genetics (formerly Invitae), Labcorp); PubMed 32758068 (cited by Ambry Genetics); PubMed 12707239 (cited by Labcorp Genetics (formerly Invitae), Labcorp); PubMed 15607392 (cited by Labcorp Genetics (formerly Invitae), Labcorp); PubMed 18403758 (cited by Labcorp Genetics (formerly Invitae), Labcorp); PubMed 19645627 (cited by Labcorp Genetics (formerly Invitae), Labcorp); PubMed 22429680 (cited by Labcorp Genetics (formerly Invitae), Labcorp); PubMed 22876777 (cited by Labcorp Genetics (formerly Invitae), Labcorp); PubMed 23283745 (cited by Labcorp Genetics (formerly Invitae), Labcorp); PubMed 25524337 (cited by Labcorp Genetics (formerly Invitae), Labcorp).